The following is an entry in ClinVar:

NM_000051.4(ATM):c.7311C>A (p.Tyr2437Ter)

Genes: ATM (ATM serine/threonine kinase; plus strand), C11orf65 (chromosome 11 open reading frame 65; minus strand). Cytogenetic location: 11q22.3.
Variant type: single nucleotide variant.
Coding change: c.7311C>A on transcript NM_000051.4 (MANE Select); coding-DNA position 7311, C replaced by A.
Protein change: p.Tyr2437Ter; replaces tyrosine 2437 with a stop codon.
Molecular consequence: nonsense. On other transcripts: intron variant (2).
Genome position (GRCh38, 1-based): chr11:108,330,217, C>A. VCF-style: chr11-108330217-C-A. GRCh37 (hg19) VCF-style: chr11-108200944-C-A.
Other names: c.7311C>A, p.Tyr2437Ter (NM_001351834.2); c.641-21146G>T (NM_001330368.2); c.*38+5003G>T (NM_001351110.2); short protein forms Y2437*.
Identifiers: ClinVar variation 453669 (VCV000453669.16), dbSNP rs763470424, ClinGen allele CA228418043.
Genomic context (GRCh38, chr11:108,330,217, plus strand): 5'-TTGTAGTTCTGTTAAAGTTCATGGCTTTTGTGTTTTACCTTAATTATTCTATGCAAGATA[C>A]ACAGTAAAGGTTCAGCGAGAGCTGGAGTTGGATGAATTAGCCCTGCGTGCACTGAAAGAG-3'

ClinVar aggregate classification (germline): Pathogenic/Likely pathogenic. Review status: criteria provided, multiple submitters, no conflicts (2 of 4 stars). 6 submissions from 6 submitters: Pathogenic (5); Likely pathogenic (1). Last evaluated 2024-07-01.

Conditions:
Hereditary cancer-predisposing syndrome. Also called: Neoplastic Syndromes, Hereditary; Hereditary Cancer Syndrome; Tumor predisposition; Hereditary neoplastic syndrome. Identifiers: Orphanet 140162, MedGen C0027672, MeSH D009386, MONDO:0015356.
Ataxia-telangiectasia syndrome (AT). Also called: LOUIS-BAR SYNDROME; Cerebello-oculocutaneous telangiectasia; Immunodeficiency with ataxia telangiectasia; Ataxia-telangiectasia, complementation group D; AT, COMPLEMENTATION GROUP C; Ataxia-telangiectasia, complementation group E. Identifiers: Orphanet 100, MedGen C0004135, MONDO:0008840, OMIM 208900.
Malignant tumor of breast. Also called: Malignant breast neoplasm; Cancer breast. Identifiers: MedGen C0006142, MONDO:0007254. Disease mechanism: loss of function.
Familial cancer of breast. Also called: Hereditary breast cancer; BREAST CANCER, FAMILIAL; hereditary breast carcinoma. Identifiers: Orphanet 227535, MedGen C0346153, MONDO:0016419, OMIM 114480. Disease mechanism: loss of function.

Allele frequency attached by ClinVar (database versions not stated): gnomAD exomes below 0.00001.
gnomAD v4.1: 3 of 1,613,744 alleles (0.00019%); highest among the groups gnomAD compares: South Asian, 0.0011%; no homozygotes.

Submissions (6):

Ambry Genetics
Classification: Pathogenic for Hereditary cancer-predisposing syndrome. Last evaluated: 2024-07-01. Review status: criteria provided, single submitter. Criteria: Ambry Variant Classification Scheme 2023. Collection method: clinical testing. Allele origin: germline.
Comment: The p.Y2437* pathogenic mutation (also known as c.7311C>A), located in coding exon 49 of the ATM gene, results from a C to A substitution at nucleotide position 7311. This changes the amino acid from a tyrosine to a stop codon within coding exon 49. This mutation has been detected in a familial breast cancer kindred (Renwick A et al. Nat. Genet. 2006 Aug; 38(8):873-5). This variant is considered to be rare based on population cohorts in the Genome Aggregation Database (gnomAD). In addition to the clinical data presented in the literature, this alteration is expected to result in loss of function by premature protein truncation or nonsense-mediated mRNA decay. As such, this alteration is interpreted as a disease-causing mutation.

Myriad Genetics, Inc.
Classification: Pathogenic for Familial cancer of breast. Last evaluated: 2024-01-31. Review status: criteria provided, single submitter. Criteria: Myriad Autosomal Dominant, Autosomal Recessive and X-Linked Classification Criteria (2023). Collection method: clinical testing. Allele origin: unknown.
Comment: This variant is considered pathogenic. This variant creates a termination codon and is predicted to result in premature protein truncation.

Women's Health and Genetics/Laboratory Corporation of America, LabCorp
Classification: Likely pathogenic for Malignant tumor of breast. Last evaluated: 2023-03-14. Review status: criteria provided, single submitter. Criteria: LabCorp Variant Classification Summary - May 2015. Collection method: clinical testing. Allele origin: germline.
Comment: Variant summary: ATM c.7311C>A (p.Tyr2437X) results in a premature termination codon, predicted to cause a truncation of the encoded protein or absence of the protein due to nonsense mediated decay, which are commonly known mechanisms for disease. Truncations downstream of this position have been classified as pathogenic by our laboratory. The variant was absent in 250926 control chromosomes (gnomAD). c.7311C>A has been reported in the literature in individuals from a familial breast cancer family, wherein two affected individuals harbored the variant and one affected individual had the reference allele (Renwick_2006). To our knowledge, no experimental evidence demonstrating an impact on protein function has been reported. Two clinical diagnostic laboratories have submitted clinical-significance assessments for this variant to ClinVar after 2014 and both classified the variant as pathogenic. Based on the evidence outlined above, the variant was classified as likely pathogenic.

Baylor Genetics
Classification: Pathogenic for Familial cancer of breast. Last evaluated: 2022-09-01. Review status: criteria provided, single submitter. Criteria: ACMG Guidelines, 2015. Collection method: clinical testing. Allele origin: unknown.

Labcorp Genetics (formerly Invitae), Labcorp
Classification: Pathogenic for Ataxia-telangiectasia syndrome. Last evaluated: 2021-10-16. Review status: criteria provided, single submitter. Criteria: Invitae Variant Classification Sherloc (09022015). Collection method: clinical testing. Allele origin: germline.
Comment: This variant is not present in population databases (ExAC no frequency). This premature translational stop signal has been observed in individual(s) with breast cancer (PMID: 16832357). ClinVar contains an entry for this variant (Variation ID: 453669). For these reasons, this variant has been classified as Pathogenic. This sequence change creates a premature translational stop signal (p.Tyr2437*) in the ATM gene. It is expected to result in an absent or disrupted protein product. Loss-of-function variants in ATM are known to be pathogenic (PMID: 23807571, 25614872).

Neuberg Centre For Genomic Medicine, NCGM
Classification: Pathogenic for Ataxia-telangiectasia syndrome. Review status: criteria provided, single submitter. Criteria: ACMG Guidelines, 2015. Collection method: clinical testing. Allele origin: germline. Inheritance: Autosomal recessive inheritance. Affected: yes.
Comment: This variant has been observed in an individual affected with breast cancer (Renwick A et al). This variant has been reported to the ClinVar database as Pathogenic. The c.7311C>A variant is novel (not in any individuals) in gnomAD Exomes and 1000 Genomes. This sequence change creates a premature translational stop signal (p.Tyr2437*) in the ATM gene. It is expected to result in an absent or disrupted protein product. Loss-of-function variants in ATM are known to be pathogenic (Podralska MJ et al). For these reasons, this variant has been classified as Pathogenic.

Literature cited by the submitters: PubMed 16832357 (cited by 3 submitters); PubMed 33502066 (cited by Women's Health and Genetics/Laboratory Corporation of America, LabCorp); PubMed 23807571 (cited by Labcorp Genetics (formerly Invitae), Labcorp); PubMed 25614872 (cited by Labcorp Genetics (formerly Invitae), Labcorp).